The following is an entry in ClinVar:

ClinVar aggregate classification (germline): Benign/Likely benign. Review status: criteria provided, multiple submitters, no conflicts (2 of 4 stars). 6 submissions from 6 submitters: Benign (1); Likely benign (5). Last evaluated 2025-07-10.

Conditions:
Hereditary cancer-predisposing syndrome. Also called: Tumor predisposition; Hereditary Cancer Syndrome; Hereditary neoplastic syndrome; Neoplastic Syndromes, Hereditary. Identifiers: Orphanet 140162, MedGen C0027672, MeSH D009386, MONDO:0015356.
Peutz-Jeghers syndrome (PJS). Also called: POLYPOSIS, HAMARTOMATOUS INTESTINAL; POLYPS-AND-SPOTS SYNDROME; Peutz-Jeghers polyposis; Periorificial lentiginosis syndrome. Identifiers: Orphanet 2869, MedGen C0031269, MeSH D010580, MONDO:0008280, OMIM 175200.

Allele frequency attached by ClinVar (database versions not stated): gnomAD exomes 0.00001; ExAC 0.00003.
gnomAD v4.1: 3 of 1,601,570 alleles (0.00019%); highest among the groups gnomAD compares: South Asian, 0.0034%; no homozygotes.

Submissions (6):

Labcorp Genetics (formerly Invitae), Labcorp
Classification: Likely benign for Peutz-Jeghers syndrome. Last evaluated: 2025-07-10. Review status: criteria provided, single submitter. Criteria: Invitae Variant Classification Sherloc (09022015). Collection method: clinical testing. Allele origin: germline.

Myriad Genetics, Inc.
Classification: Benign for Peutz-Jeghers syndrome. Last evaluated: 2025-03-26. Review status: criteria provided, single submitter. Criteria: Myriad Autosomal Dominant, Autosomal Recessive and X-Linked Classification Criteria (2023). Collection method: clinical testing. Allele origin: unknown.
Comment: This variant is considered benign. This variant is a silent/synonymous amino acid change and it is not expected to impact splicing.

All of Us Research Program, National Institutes of Health
Classification: Likely benign for Peutz-Jeghers syndrome. Last evaluated: 2024-03-25. Review status: criteria provided, single submitter. Criteria: ACMG Guidelines, 2015. Collection method: clinical testing. Allele origin: germline. Inheritance: Autosomal dominant inheritance. Observed: 1 variant allele, 1 heterozygote.
Comment: This study involves interpretation of variants in research participants for the purpose of population health screening. Participant phenotype was not available at the time of variant classification. Additional details can be found in publication PMID: 35346344, PMCID: PMC8962531

Sema4
Classification: Likely benign for Hereditary cancer-predisposing syndrome. Last evaluated: 2021-08-27. Review status: criteria provided, single submitter. Criteria: Sema4 Curation Guidelines. Collection method: curation. Allele origin: germline.

Color Diagnostics, LLC DBA Color Health
Classification: Likely benign for Hereditary cancer-predisposing syndrome. Last evaluated: 2017-07-28. Review status: criteria provided, single submitter. Criteria: ACMG Guidelines, 2015. Collection method: clinical testing. Allele origin: germline.

Ambry Genetics
Classification: Likely benign for Hereditary cancer-predisposing syndrome. Last evaluated: 2014-06-10. Review status: criteria provided, single submitter. Criteria: Ambry Variant Classification Scheme 2023. Collection method: clinical testing. Allele origin: germline.

NM_000455.5(STK11):c.471C>T (p.Phe157=)

Gene: STK11 (serine/threonine kinase 11; plus strand). Cytogenetic location: 19p13.3.
Variant type: single nucleotide variant.
Coding change: c.471C>T on transcript NM_000455.5 (MANE Select); coding-DNA position 471, C replaced by T.
Protein change: p.Phe157=; no amino-acid change (phenylalanine 157 retained).
Molecular consequence: synonymous variant.
Genome position (GRCh38, 1-based): chr19:1,220,379, C>T. VCF-style: chr19-1220379-C-T. GRCh37 (hg19) VCF-style: chr19-1220378-C-T.
Identifiers: ClinVar variation 184713 (VCV000184713.21), dbSNP rs766257141, ClinGen allele CA023042.